The following is an entry in ClinVar:

NM_005560.6(LAMA5):c.4429G>A (p.Gly1477Ser)

Gene: LAMA5 (laminin subunit alpha 5; minus strand). Cytogenetic location: 20q13.33.
Variant type: single nucleotide variant.
Coding change: c.4429G>A on transcript NM_005560.6 (MANE Select); coding-DNA position 4429, G replaced by A.
Protein change: p.Gly1477Ser; replaces glycine 1477 with serine.
Molecular consequence: missense variant.
Genome position (GRCh38, 1-based): chr20:62,328,862, C>T on the plus strand (G>A on the coding strand, the complement: LAMA5 is on the minus strand). VCF-style: chr20-62328862-C-T. GRCh37 (hg19) VCF-style: chr20-60903918-C-T.
Other names: short protein forms G1477S.
Identifiers: ClinVar variation 1482303 (VCV001482303.6), dbSNP rs1463370246, ClinGen allele CA409565824.
Genomic context (GRCh38, chr20:62,328,862, plus strand): 5'-CCAACTCCCTGCCACTGGGCGCCCAAGGACTGGGGTACTCACGCCTGCAGTTGGGGAAGC[C>T]CCAGTATCCGGTGGCACAGCGGGAGCAGTCACGGCCAATGACATGGGCATGGCAGGGACA-3'
Protein context (NP_005551.3, residues 1467-1487): DCSRCATGYW[Gly1477Ser]FPNCRPCDCG

ClinVar aggregate classification (germline): Uncertain significance (1 of 4 stars; one submission).

Allele frequency attached by ClinVar (database versions not stated): gnomAD exomes below 0.00001; gnomAD 0.00002; TOPMed 0.00002.
gnomAD v4.1: 5 of 1,610,990 alleles (0.00031%); highest among the groups gnomAD compares: African/African-American, 0.004%; no homozygotes.

Submission:

Labcorp Genetics (formerly Invitae), Labcorp
Classification: Uncertain significance. Last evaluated: 2021-11-30. Review status: criteria provided, single submitter. Criteria: Invitae Variant Classification Sherloc (09022015). Collection method: clinical testing. Allele origin: germline.
Comment: This sequence change replaces glycine, which is neutral and non-polar, with serine, which is neutral and polar, at codon 1477 of the LAMA5 protein (p.Gly1477Ser). This variant is present in population databases (no rsID available, gnomAD 0.01%). This variant has not been reported in the literature in individuals affected with LAMA5-related conditions. In summary, the available evidence is currently insufficient to determine the role of this variant in disease. Therefore, it has been classified as a Variant of Uncertain Significance. Algorithms developed to predict the effect of missense changes on protein structure and function are either unavailable or do not agree on the potential impact of this missense change (SIFT: "Deleterious"; PolyPhen-2: "Benign"; Align-GVGD: "Class C0").